The following is an entry in ClinVar:

NM_001943.5(DSG2):c.2639_2641del (p.Asn880del)

Genes: DSG2 (desmoglein 2; plus strand), DSG2-AS1 (DSG2 antisense RNA 1; minus strand). Cytogenetic location: 18q12.1.
Variant type: Deletion.
Coding change: c.2639_2641del on transcript NM_001943.5 (MANE Select); coding-DNA positions 2639 to 2641, 3 bases deleted (ATA; older notation c.2639_2641delATA).
Protein change: p.Asn880del; deletes asparagine 880.
Molecular consequence: inframe deletion.
Genome position (GRCh38, 1-based): chr18:31,546,025-31,546,027, ATA deleted; deleting any 3 consecutive bases within chr18:31,546,024-31,546,027 gives the same sequence; the c. name uses the placement nearest the transcript's 3' end. VCF-style (leftmost placement, unchanged base first): chr18-31546023-GAAT-G. GRCh37 (hg19) VCF-style: chr18-29125986-GAAT-G.
Other names: short protein forms N880del.
Identifiers: ClinVar variation 2748118 (VCV002748118.3), dbSNP rs2510922350, ClinGen allele CA2697555373.
Genomic context (GRCh38, chr18:31,546,023, plus strand): 5'-AGAAACAAGTATGAACACAGCTTCACATTCACTCTGTGAGCAAACTATGGTTAATTCAGA[GAAT>G]ACCTACTCCTCTGGCAGTAGCTTCCCAGTTCCAAAATCTTTGCAAGAAGCCAATGCAGAG-3'

ClinVar aggregate classification (germline): Uncertain significance (1 of 4 stars; one submission).

Conditions:
Arrhythmogenic right ventricular dysplasia 10. Also called: Arrhythmogenic Right Ventricular Dysplasia/Cardiomyopathy10; ARRHYTHMOGENIC RIGHT VENTRICULAR DYSPLASIA, FAMILIAL, 10; Arrhythmogenic right ventricular dysplasia/cardiomyopathy, type 10. Identifiers: MedGen C1857777, MONDO:0012434, OMIM 610193.

Submission:

Labcorp Genetics (formerly Invitae), Labcorp
Classification: Uncertain significance for Arrhythmogenic right ventricular dysplasia 10. Last evaluated: 2023-07-29. Review status: criteria provided, single submitter. Criteria: Invitae Variant Classification Sherloc (09022015). Collection method: clinical testing. Allele origin: germline.
Comment: Experimental studies and prediction algorithms are not available or were not evaluated, and the functional significance of this variant is currently unknown. In summary, the available evidence is currently insufficient to determine the role of this variant in disease. Therefore, it has been classified as a Variant of Uncertain Significance. This variant is not present in population databases (gnomAD no frequency). This variant, c.2639_2641del, results in the deletion of 1 amino acid(s) of the DSG2 protein (p.Asn880del), but otherwise preserves the integrity of the reading frame. This variant has not been reported in the literature in individuals affected with DSG2-related conditions.